The following is an entry in ClinVar:

ClinVar aggregate classification (germline): Uncertain significance. Review status: criteria provided, multiple submitters, no conflicts (2 of 4 stars). 2 submissions from 2 submitters: Uncertain significance (2). Last evaluated 2022-07-19.

Conditions:
Mitochondrial DNA depletion syndrome 13. Also called: FBXL4-Related Encephalomyopathic Mitochondrial DNA Depletion Syndrome; Mitochondrial DNA depletion syndrome 13 (encephalomyopathic type). Identifiers: Orphanet 369897, MedGen C3809592, MONDO:0014198, OMIM 615471.

Allele frequency attached by ClinVar (database versions not stated): ExAC 0.00003; TOPMed 0.00003; gnomAD exomes 0.00004; gnomAD 0.00005; ESP Exome Variant Server 0.00008.

Submissions (2):

Labcorp Genetics (formerly Invitae), Labcorp
Classification: Uncertain significance. Last evaluated: 2022-07-19. Review status: criteria provided, single submitter. Criteria: Invitae Variant Classification Sherloc (09022015). Collection method: clinical testing. Allele origin: germline.
Comment: This sequence change replaces arginine, which is basic and polar, with cysteine, which is neutral and slightly polar, at codon 21 of the FBXL4 protein (p.Arg21Cys). This variant is present in population databases (rs369518305, gnomAD 0.009%). This variant has not been reported in the literature in individuals affected with FBXL4-related conditions. ClinVar contains an entry for this variant (Variation ID: 437525). Advanced modeling of protein sequence and biophysical properties (such as structural, functional, and spatial information, amino acid conservation, physicochemical variation, residue mobility, and thermodynamic stability) performed at Invitae indicates that this missense variant is expected to disrupt FBXL4 protein function. Algorithms developed to predict the effect of sequence changes on RNA splicing suggest that this variant may create or strengthen a splice site. In summary, the available evidence is currently insufficient to determine the role of this variant in disease. Therefore, it has been classified as a Variant of Uncertain Significance.

Wong Mito Lab, Molecular and Human Genetics, Baylor College of Medicine
Classification: Uncertain significance for Mitochondrial DNA depletion syndrome 13. Last evaluated: 2017-08-10. Review status: criteria provided, single submitter. Criteria: ACMG Guidelines, 2015. Collection method: reference population. Allele origin: germline.
Comment: The NM_012160.4:c.61C>T (NP_036292.2:p.Arg21Cys) [GRCH38: NC_000006.12:g.98926928G>A] variant in FBXL4 gene is interpretated to be a Uncertain Significance - Insufficient Evidence based on ACMG guidelines (PMID: 25741868). This variant meets one or more of the following evidence codes reported in the ACMG-guideline. PM2:This variant is absent in key population databases. PP3:Computational evidence/predictors indicate the variant has deleterious effect on FBXL4 structure, function, or protein-protein interaction. Based on this evidence code ClinGen Pathogenicity Calculator (PMID:28081714) suggested that the variant is Uncertain Significance - Insufficient Evidence.

NM_001278716.2(FBXL4):c.61C>T (p.Arg21Cys)

Gene: FBXL4 (F-box and leucine rich repeat protein 4; minus strand). Cytogenetic location: 6q16.2.
Variant type: single nucleotide variant.
Coding change: c.61C>T on transcript NM_001278716.2 (MANE Select); coding-DNA position 61, C replaced by T.
Protein change: p.Arg21Cys; replaces arginine 21 with cysteine.
Molecular consequence: missense variant. On other transcripts: non-coding transcript variant (2).
Genome position (GRCh38, 1-based): chr6:98,926,928, G>A on the plus strand (C>T on the coding strand, the complement: FBXL4 is on the minus strand). VCF-style: chr6-98926928-G-A. GRCh37 (hg19) VCF-style: chr6-99374804-G-A.
Other names: c.61C>T, p.Arg21Cys (NM_012160.5); short protein forms R21C.
Identifiers: ClinVar variation 437525 (VCV000437525.6), dbSNP rs369518305, ClinGen allele CA3933749.